The following is an entry in ClinVar:

ClinVar aggregate classification (germline): Uncertain significance (1 of 4 stars; one submission).

Conditions:
Pityriasis rubra pilaris (PRP). Also called: Pityriasis rubra pilaris--familial type. Identifiers: Orphanet 2897, MedGen C0032027, MONDO:0100017, OMIM 173200, MONDO:0008251.
Psoriasis 2. Identifiers: MedGen C1864497, MONDO:0011269, OMIM 602723.

gnomAD v4.1: 1 of 1,613,632 alleles (0.000062%); highest among the groups gnomAD compares: Non-Finnish European, 0.000085%; no homozygotes.

Submission:

Labcorp Genetics (formerly Invitae), Labcorp
Classification: Uncertain significance for Pityriasis rubra pilaris; Psoriasis 2. Last evaluated: 2024-04-06. Review status: criteria provided, single submitter. Criteria: Invitae Variant Classification Sherloc (09022015). Collection method: clinical testing. Allele origin: germline.
Comment: This sequence change replaces serine, which is neutral and polar, with glycine, which is neutral and non-polar, at codon 584 of the CARD14 protein (p.Ser584Gly). This variant is not present in population databases (gnomAD no frequency). This variant has not been reported in the literature in individuals affected with CARD14-related conditions. Advanced modeling of protein sequence and biophysical properties (such as structural, functional, and spatial information, amino acid conservation, physicochemical variation, residue mobility, and thermodynamic stability) performed at Invitae indicates that this missense variant is not expected to disrupt CARD14 protein function with a negative predictive value of 80%. In summary, the available evidence is currently insufficient to determine the role of this variant in disease. Therefore, it has been classified as a Variant of Uncertain Significance.

NM_001366385.1(CARD14):c.1750A>G (p.Ser584Gly)

Gene: CARD14 (caspase recruitment domain family member 14; plus strand). Cytogenetic location: 17q25.3.
Variant type: single nucleotide variant.
Coding change: c.1750A>G on transcript NM_001366385.1 (MANE Select); coding-DNA position 1750, A replaced by G.
Protein change: p.Ser584Gly; replaces serine 584 with glycine.
Molecular consequence: missense variant. On other transcripts: non-coding transcript variant (1).
Genome position (GRCh38, 1-based): chr17:80,198,490, A>G. VCF-style: chr17-80198490-A-G. GRCh37 (hg19) VCF-style: chr17-78172289-A-G.
Other names: c.1750A>G, p.Ser584Gly (NM_001257970.1, NM_024110.4); c.1039A>G, p.Ser347Gly (NM_052819.3); short protein forms S347G, S584G.
Identifiers: ClinVar variation 3763459 (VCV003763459.2).